The following is an entry in ClinVar:

ClinVar aggregate classification (germline): Uncertain significance (1 of 4 stars; one submission).

Allele frequency attached by ClinVar (database versions not stated): gnomAD exomes below 0.00001; TOPMed below 0.00001; ExAC 0.00001; gnomAD 0.00001.

Submission:

Labcorp Genetics (formerly Invitae), Labcorp
Classification: Uncertain significance. Last evaluated: 2021-08-31. Review status: criteria provided, single submitter. Criteria: Invitae Variant Classification Sherloc (09022015). Collection method: clinical testing. Allele origin: germline.
Comment: This sequence change replaces histidine with glutamine at codon 1251 of the CCDC88A protein (p.His1251Gln). The histidine residue is weakly conserved and there is a small physicochemical difference between histidine and glutamine. This variant is present in population databases (rs772855075, ExAC 0.01%). This variant has not been reported in the literature in individuals affected with CCDC88A-related conditions. Algorithms developed to predict the effect of missense changes on protein structure and function (SIFT, PolyPhen-2, Align-GVGD) all suggest that this variant is likely to be tolerated. In summary, the available evidence is currently insufficient to determine the role of this variant in disease. Therefore, it has been classified as a Variant of Uncertain Significance.

NM_001365480.1(CCDC88A):c.3756T>G (p.His1252Gln)

Gene: CCDC88A (coiled-coil domain containing 88A; minus strand). Cytogenetic location: 2p16.1.
Variant type: single nucleotide variant.
Coding change: c.3756T>G on transcript NM_001365480.1 (MANE Select); coding-DNA position 3756, T replaced by G.
Protein change: p.His1252Gln; replaces histidine 1252 with glutamine.
Molecular consequence: missense variant.
Genome position (GRCh38, 1-based): chr2:55,316,105, A>C on the plus strand (T>G on the coding strand, the complement: CCDC88A is on the minus strand). VCF-style: chr2-55316105-A-C. GRCh37 (hg19) VCF-style: chr2-55543241-A-C.
Other names: c.3753T>G, p.His1251Gln (NM_001135597.2, NM_001254943.2); c.3756T>G, p.His1252Gln (NM_018084.5); short protein forms H1252Q, H1251Q.
Identifiers: ClinVar variation 1499140 (VCV001499140.5), dbSNP rs772855075, ClinGen allele CA1665689.